The following is an entry in ClinVar:

ClinVar aggregate classification (germline): Uncertain significance (1 of 4 stars; one submission).

Submission:

Labcorp Genetics (formerly Invitae), Labcorp
Classification: Uncertain significance. Last evaluated: 2024-10-26. Review status: criteria provided, single submitter. Criteria: Invitae Variant Classification Sherloc (09022015). Collection method: clinical testing. Allele origin: germline.
Comment: This sequence change replaces lysine, which is basic and polar, with asparagine, which is neutral and polar, at codon 137 of the CNNM4 protein (p.Lys137Asn). This variant is not present in population databases (gnomAD no frequency). This variant has not been reported in the literature in individuals affected with CNNM4-related conditions. ClinVar contains an entry for this variant (Variation ID: 2015384). Invitae Evidence Modeling of protein sequence and biophysical properties (such as structural, functional, and spatial information, amino acid conservation, physicochemical variation, residue mobility, and thermodynamic stability) indicates that this missense variant is not expected to disrupt CNNM4 protein function with a negative predictive value of 80%. In summary, the available evidence is currently insufficient to determine the role of this variant in disease. Therefore, it has been classified as a Variant of Uncertain Significance.

NM_020184.4(CNNM4):c.411G>T (p.Lys137Asn)

Gene: CNNM4 (cyclin and CBS domain divalent metal cation transport mediator 4; plus strand). Cytogenetic location: 2q11.2.
Variant type: single nucleotide variant.
Coding change: c.411G>T on transcript NM_020184.4 (MANE Select); coding-DNA position 411, G replaced by T.
Protein change: p.Lys137Asn; replaces lysine 137 with asparagine.
Molecular consequence: missense variant.
Genome position (GRCh38, 1-based): chr2:96,761,410, G>T. VCF-style: chr2-96761410-G-T. GRCh37 (hg19) VCF-style: chr2-97427147-G-T.
Other names: short protein forms K137N.
Identifiers: ClinVar variation 2015384 (VCV002015384.4), dbSNP rs758539045, ClinGen allele CA347713614.